The following is an entry in ClinVar:

ClinVar aggregate classification (germline): Uncertain significance (1 of 4 stars; one submission).

Conditions:
Loeys-Dietz syndrome 2 (LDS2). Also called: TGFBR2-Related Loeys-Dietz Syndrome; Marfan syndrome, type 2 (formerly); AORTIC ANEURYSM, FAMILIAL THORACIC 3; MARFAN SYNDROME, TYPE II; Marfan Syndrome type 2; Marfan like connective tissue disorder. Identifiers: Orphanet 284973, Orphanet 558, MedGen C2674574, MONDO:0012427, OMIM 610168.

Submission:

Baylor Genetics
Classification: Uncertain significance for Loeys-Dietz syndrome 2. Last evaluated: 2017-09-01. Review status: criteria provided, single submitter. Criteria: ACMG Guidelines, 2015. Collection method: clinical testing. Allele origin: de novo. Inheritance: Autosomal dominant inheritance. Affected: yes.

Literature cited by the submitters: PubMed 25326635.

NM_003242.6(TGFBR2):c.1238T>A (p.Leu413Gln)

Gene: TGFBR2 (transforming growth factor beta receptor 2; plus strand). Cytogenetic location: 3p24.1.
Variant type: single nucleotide variant.
Coding change: c.1238T>A on transcript NM_003242.6 (MANE Select); coding-DNA position 1238, T replaced by A.
Protein change: p.Leu413Gln; replaces leucine 413 with glutamine.
Molecular consequence: missense variant.
Genome position (GRCh38, 1-based): chr3:30,672,421, T>A. VCF-style: chr3-30672421-T-A. GRCh37 (hg19) VCF-style: chr3-30713913-T-A.
Other names: c.1313T>A, p.Leu438Gln (NM_001024847.3); c.1421T>A, p.Leu474Gln (NM_001407126.1); c.1346T>A, p.Leu449Gln (NM_001407127.1); c.1265T>A, p.Leu422Gln (NM_001407128.1); c.1241T>A, p.Leu414Gln (NM_001407129.1); c.1238T>A, p.Leu413Gln (NM_001407130.1); c.1133T>A, p.Leu378Gln (NM_001407132.1, NM_001407133.1, NM_001407134.1 and 2 more transcripts); c.953T>A, p.Leu318Gln (NM_001407137.1); and 1 more; short protein forms L413Q, L438Q, L318Q, L414Q, L293Q, L378Q, L449Q, L474Q.
Identifiers: ClinVar variation 561131 (VCV000561131.3), dbSNP rs1559467328, ClinGen allele CA351808821.